The following is an entry in ClinVar:

NM_000702.4(ATP1A2):c.1112T>A (p.Ile371Asn)

Gene: ATP1A2 (ATPase Na+/K+ transporting subunit alpha 2; plus strand). Cytogenetic location: 1q23.2.
Variant type: single nucleotide variant.
Coding change: c.1112T>A on transcript NM_000702.4 (MANE Select); coding-DNA position 1112, T replaced by A.
Protein change: p.Ile371Asn; replaces isoleucine 371 with asparagine.
Molecular consequence: missense variant.
Genome position (GRCh38, 1-based): chr1:160,128,746, T>A. VCF-style: chr1-160128746-T-A. GRCh37 (hg19) VCF-style: chr1-160098536-T-A.
Other names: short protein forms I371N.
Identifiers: ClinVar variation 2632702 (VCV002632702.1), dbSNP rs2524868072, ClinGen allele CA343239423.

ClinVar aggregate classification (germline): Uncertain significance (1 of 4 stars; one submission).

Conditions:
ATP1A2-related disorder. Also called: ATP1A2-RELATED DISORDERS; ATP1A2-related condition.

Submission:

PreventionGenetics, part of Exact Sciences
Classification: Uncertain significance for ATP1A2-related condition. Last evaluated: 2023-06-22. Review status: criteria provided, single submitter. Criteria: ACMG Guidelines, 2015. Collection method: clinical testing. Allele origin: germline.
Comment: The ATP1A2 c.1112T>A variant is predicted to result in the amino acid substitution p.Ile371Asn. To our knowledge, this variant has not been reported in the literature or in a large population database, indicating this variant is rare. At this time, the clinical significance of this variant is uncertain due to the absence of conclusive functional and genetic evidence.